The following is an entry in ClinVar:

NM_001365999.1(SZT2):c.4606A>G (p.Thr1536Ala)

Gene: SZT2 (SZT2 subunit of KICSTOR complex; plus strand). Cytogenetic location: 1p34.2.
Variant type: single nucleotide variant.
Coding change: c.4606A>G on transcript NM_001365999.1 (MANE Select); coding-DNA position 4606, A replaced by G.
Protein change: p.Thr1536Ala; replaces threonine 1536 with alanine.
Molecular consequence: missense variant.
Genome position (GRCh38, 1-based): chr1:43,430,621, A>G. VCF-style: chr1-43430621-A-G. GRCh37 (hg19) VCF-style: chr1-43896292-A-G.
Other names: c.4435A>G, p.Thr1479Ala (NM_015284.4); short protein forms T1479A, T1536A.
Identifiers: ClinVar variation 859081 (VCV000859081.9), dbSNP rs1653753977, ClinGen allele CA340022252.
Genomic context (GRCh38, chr1:43,430,621, plus strand): 5'-AGCCGTGAATCAGACCTGGGGCCTGCTGGGCTAGACTCTGCCTCGCTGTCAGACGTAGAC[A>G]CTGTGAATCCTGATGAAGACTCCTTCAGTATCTTGGGGGGCGACTCACCCACTGGGCCTG-3'
Protein context (NP_001352928.1, residues 1526-1546): LDSASLSDVD[Thr1536Ala]VNPDEDSFSI

ClinVar aggregate classification (germline): Uncertain significance (1 of 4 stars; one submission).

Allele frequency attached by ClinVar (database versions not stated): gnomAD exomes below 0.00001; TOPMed below 0.00001.
gnomAD v4.1: 1 of 1,614,122 alleles (0.000062%); highest among the groups gnomAD compares: Non-Finnish European, 0.000085%; no homozygotes.

Submission:

Labcorp Genetics (formerly Invitae), Labcorp
Classification: Uncertain significance. Last evaluated: 2019-07-31. Review status: criteria provided, single submitter. Criteria: Invitae Variant Classification Sherloc (09022015). Collection method: clinical testing. Allele origin: germline.
Comment: This variant has not been reported in the literature in individuals with SZT2-related conditions. This variant is not present in population databases (ExAC no frequency). This sequence change replaces threonine with alanine at codon 1479 of the SZT2 protein (p.Thr1479Ala). The threonine residue is highly conserved and there is a small physicochemical difference between threonine and alanine. Algorithms developed to predict the effect of missense changes on protein structure and function are either unavailable or do not agree on the potential impact of this missense change (SIFT: "Deleterious"; PolyPhen-2: "Probably Damaging"; Align-GVGD: "Class C0"). In summary, the available evidence is currently insufficient to determine the role of this variant in disease. Therefore, it has been classified as a Variant of Uncertain Significance.